The following is an entry in ClinVar:

NM_001256627.2(BRSK2):c.167G>A (p.Ser56Asn)

Gene: BRSK2 (BR serine/threonine kinase 2; plus strand). Cytogenetic location: 11p15.5.
Variant type: single nucleotide variant.
Coding change: c.167G>A on transcript NM_001256627.2 (MANE Select); coding-DNA position 167, G replaced by A.
Protein change: p.Ser56Asn; replaces serine 56 with asparagine.
Molecular consequence: missense variant. On other transcripts: 5 prime UTR variant (1), non-coding transcript variant (1).
Genome position (GRCh38, 1-based): chr11:1,436,115, G>A. VCF-style: chr11-1436115-G-A. GRCh37 (hg19) VCF-style: chr11-1457345-G-A.
Other names: c.167G>A, p.Ser56Asn (NM_001256629.2, NM_003957.4); c.305G>A, p.Ser102Asn (NM_001256630.1); c.-14G>A (NM_001282218.2); short protein forms S102N, S56N.
Identifiers: ClinVar variation 3370740 (VCV003370740.1).

ClinVar aggregate classification (germline): Uncertain significance (1 of 4 stars; one submission).

gnomAD v4.1: 1 of 1,594,002 alleles (0.000063%); highest among the groups gnomAD compares: Non-Finnish European, 0.000085%; no homozygotes.

Submission:

GeneDx
Classification: Uncertain significance. Last evaluated: 2024-03-08. Review status: criteria provided, single submitter. Criteria: GeneDx Variant Classification Process June 2021. Collection method: clinical testing. Allele origin: germline. Affected: yes.
Comment: In silico analysis supports that this missense variant has a deleterious effect on protein structure/function; Has not been previously published as pathogenic or benign to our knowledge